The following is an entry in ClinVar:

NM_001378457.1(DMXL2):c.4316A>G (p.Gln1439Arg)

Gene: DMXL2 (Dmx like 2; minus strand). Cytogenetic location: 15q21.2.
Variant type: single nucleotide variant.
Coding change: c.4316A>G on transcript NM_001378457.1 (MANE Select); coding-DNA position 4316, A replaced by G.
Protein change: p.Gln1439Arg; replaces glutamine 1439 with arginine.
Molecular consequence: missense variant. On other transcripts: non-coding transcript variant (2), intron variant (2).
Genome position (GRCh38, 1-based): chr15:51,498,908, T>C on the plus strand (A>G on the coding strand, the complement: DMXL2 is on the minus strand). VCF-style: chr15-51498908-T-C. GRCh37 (hg19) VCF-style: chr15-51791105-T-C.
Other names: c.4316A>G, p.Gln1439Arg (NM_001378463.1, NM_015263.5, NM_001174116.3 and 4 more transcripts); c.4076A>G, p.Gln1359Arg (NM_001378464.1); c.2765-7161A>G (NM_001378460.1); c.2765-3774A>G (NM_001174117.3); short protein forms Q1359R, Q1439R.
Identifiers: ClinVar variation 2645344 (VCV002645344.24), dbSNP rs2548504552, ClinGen allele CA392432195.

ClinVar aggregate classification (germline): Uncertain significance (1 of 4 stars; one submission).

Submission:

CeGaT Center for Human Genetics Tuebingen
Classification: Uncertain significance. Last evaluated: 2023-01-01. Review status: criteria provided, single submitter. Criteria: CeGaT Center For Human Genetics Tuebingen Variant Classification Criteria Version 2. Collection method: clinical testing. Allele origin: germline. Affected: yes. Observed: 1 variant allele.
Comment: DMXL2: PM2, BP4